The following is an entry in ClinVar:

ClinVar aggregate classification (germline): Uncertain significance. Review status: criteria provided, multiple submitters, no conflicts (2 of 4 stars). 3 submissions from 3 submitters: Uncertain significance (3). Last evaluated 2025-09-10.

Conditions:
Primary dilated cardiomyopathy (DCM). Also called: Dilated Cardiomyopathy. Identifiers: Orphanet 217604, MedGen C0007193, MeSH D002311, MONDO:0005021, HP:0001644. Inheritance: Various modes of inheritance.
Cardiovascular phenotype. Identifiers: MedGen CN230736.

Allele frequency attached by ClinVar (database versions not stated): gnomAD exomes 0.00009 and 0.00015; ExAC 0.00011; gnomAD 0.00014; 1000 Genomes Project 30x 0.00016; TOPMed 0.00016; 1000 Genomes Project 0.00020; ESP Exome Variant Server 0.00024.
gnomAD v4.1: 239 of 1,611,820 alleles (0.015%); highest among the groups gnomAD compares: Non-Finnish European, 0.019%; no homozygotes.

Submissions (3):

Labcorp Genetics (formerly Invitae), Labcorp
Classification: Uncertain significance for Primary dilated cardiomyopathy. Last evaluated: 2025-09-10. Review status: criteria provided, single submitter. Criteria: Invitae Variant Classification Sherloc (09022015). Collection method: clinical testing. Allele origin: germline.
Comment: This sequence change replaces valine, which is neutral and non-polar, with isoleucine, which is neutral and non-polar, at codon 87 of the TXNRD2 protein (p.Val87Ile). This variant is present in population databases (rs201658653, gnomAD 0.02%). This variant has not been reported in the literature in individuals affected with TXNRD2-related conditions. ClinVar contains an entry for this variant (Variation ID: 432228). Invitae Evidence Modeling of protein sequence and biophysical properties (such as structural, functional, and spatial information, amino acid conservation, physicochemical variation, residue mobility, and thermodynamic stability) indicates that this missense variant is not expected to disrupt TXNRD2 protein function with a negative predictive value of 80%. In summary, the available evidence is currently insufficient to determine the role of this variant in disease. Therefore, it has been classified as a Variant of Uncertain Significance.

GeneDx
Classification: Uncertain significance. Last evaluated: 2025-01-31. Review status: criteria provided, single submitter. Criteria: GeneDx Variant Classification Process June 2021. Collection method: clinical testing. Allele origin: germline. Affected: yes.
Comment: Has not been previously published as pathogenic or benign in association with a TXNRD2-related disorder to our knowledge; In silico analysis indicates that this missense variant does not alter protein structure/function; This variant is associated with the following publications: (PMID: 29420653)

Ambry Genetics
Classification: Uncertain significance for Cardiovascular phenotype. Last evaluated: 2024-09-22. Review status: criteria provided, single submitter. Criteria: Ambry Variant Classification Scheme 2023. Collection method: clinical testing. Allele origin: germline.
Comment: The p.V87I variant (also known as c.259G>A), located in coding exon 4 of the TXNRD2 gene, results from a G to A substitution at nucleotide position 259. The valine at codon 87 is replaced by isoleucine, an amino acid with highly similar properties. This amino acid position is highly conserved in available vertebrate species. In addition, this alteration is predicted to be tolerated by in silico analysis. The evidence for this gene-disease relationship is limited; therefore, the clinical significance of this alteration is unclear.

NM_006440.5(TXNRD2):c.259G>A (p.Val87Ile)

Gene: TXNRD2 (thioredoxin reductase 2; minus strand). Cytogenetic location: 22q11.21.
Variant type: single nucleotide variant.
Coding change: c.259G>A on transcript NM_006440.5 (MANE Select); coding-DNA position 259, G replaced by A.
Protein change: p.Val87Ile; replaces valine 87 with isoleucine.
Molecular consequence: missense variant. On other transcripts: 5 prime UTR variant (1), non-coding transcript variant (1).
Genome position (GRCh38, 1-based): chr22:19,918,975, C>T on the plus strand (G>A on the coding strand, the complement: TXNRD2 is on the minus strand). VCF-style: chr22-19918975-C-T. GRCh37 (hg19) VCF-style: chr22-19906498-C-T.
Other names: c.259G>A, p.Val87Ile (NM_001282512.3); c.256G>A, p.Val86Ile (NM_001352300.2); c.169G>A, p.Val57Ile (NM_001352301.2); c.-30G>A (NM_001352302.2); c.163G>A, p.Val55Ile (NM_001352303.2); short protein forms V87I, V57I, V86I, V55I.
Identifiers: ClinVar variation 432228 (VCV000432228.21), dbSNP rs201658653, ClinGen allele CA10104274.